The following is an entry in ClinVar:

ClinVar aggregate classification (germline): Pathogenic (1 of 4 stars; one submission).

Conditions:
Glutaric aciduria, type 1. Also called: Glutaricacidemia Type 1; Glutaricaciduria, type I; Glutaryl-CoA dehydrogenase deficiency; Glutaric Acidemia Type 1; GA I; Glutaric acidemia type I. Identifiers: Orphanet 25, MedGen C0268595, MONDO:0009281, OMIM 231670.

Submission:

Labcorp Genetics (formerly Invitae), Labcorp
Classification: Pathogenic for Glutaric aciduria, type 1. Last evaluated: 2025-06-18. Review status: criteria provided, single submitter. Criteria: Invitae Variant Classification Sherloc (09022015). Collection method: clinical testing. Allele origin: germline.
Comment: This sequence change creates a premature translational stop signal (p.Glu273Argfs*18) in the GCDH gene. It is expected to result in an absent or disrupted protein product. Loss-of-function variants in GCDH are known to be pathogenic (PMID: 10699052, 11854167, 16602100). This variant is not present in population databases (gnomAD no frequency). This variant has not been reported in the literature in individuals affected with GCDH-related conditions. For these reasons, this variant has been classified as Pathogenic.

Literature cited by the submitters: PubMed 10699052; PubMed 11854167; PubMed 16602100.

NM_000159.4(GCDH):c.817del (p.Glu273fs)

Gene: GCDH (glutaryl-CoA dehydrogenase; plus strand). Cytogenetic location: 19p13.13.
Variant type: Deletion.
Coding change: c.817del on transcript NM_000159.4 (MANE Select); coding-DNA position 817, one base deleted (G; older notation c.817delG).
Protein change: p.Glu273fs; shifts the reading frame from glutamic acid 273.
Molecular consequence: frameshift variant. On other transcripts: non-coding transcript variant (2).
Genome position (GRCh38, 1-based): chr19:12,896,386, G deleted. VCF-style (leftmost placement, unchanged base first): chr19-12896385-AG-A. GRCh37 (hg19) VCF-style: chr19-13007199-AG-A.
Other names: c.817del, p.Glu273fs (NM_013976.5); short protein forms E273fs.
Identifiers: ClinVar variation 4721161 (VCV004721161.1).
Genomic context (GRCh38, chr19:12,896,385, plus strand): 5'-CAAGTTCTCGCTGCGGGCCTCAGCCACAGGCATGATCATCATGGACGGTGTGGAGGTGCC[AG>A]AGGAGAATGTGCTCCCTGGTGCATCCAGCCTGGGGGTAAGTGGCAGCCACTTTGGGAATG-3'